The following is an entry in ClinVar:

ClinVar aggregate classification (germline): Likely benign (1 of 4 stars; one submission).

Conditions:
PTCH1-related disorder. Also called: PTCH1-related disorders; PTCH1-related condition.

gnomAD v4.1: 3 of 1,609,122 alleles (0.00019%); highest among the groups gnomAD compares: South Asian, 0.0033%; no homozygotes.

Submission:

PreventionGenetics, part of Exact Sciences
Classification: Likely benign for PTCH1-related condition. Last evaluated: 2025-07-28. Review status: criteria provided, single submitter. Criteria: ACMG Guidelines, 2015. Collection method: clinical testing. Allele origin: germline.
Comment: This variant is classified as likely benign based on ACMG/AMP sequence variant interpretation guidelines (Richards et al. 2015 PMID: 25741868, with internal and published modifications).

NM_001083603.3(PTCH1):c.189C>G (p.Arg63=)

Gene: PTCH1 (patched 1; minus strand). Cytogenetic location: 9q22.32.
Variant type: single nucleotide variant.
Coding change: c.189C>G on transcript NM_001083603.3 (MANE Plus Clinical); coding-DNA position 189, C replaced by G.
Protein change: p.Arg63=; no amino-acid change (arginine 63 retained).
Molecular consequence: synonymous variant. On other transcripts: 5 prime UTR variant (2).
Genome position (GRCh38, 1-based): chr9:95,516,632, G>C on the plus strand (C>G on the coding strand, the complement: PTCH1 is on the minus strand). VCF-style: chr9-95516632-G-C. GRCh37 (hg19) VCF-style: chr9-98278914-G-C.
Other names: c.-161C>G (NM_001083602.3, NM_001354919.2).
Identifiers: ClinVar variation 4989989 (VCV004989989.1).
Genomic context (GRCh38, chr9:95,516,632, plus strand): 5'-TCGTCCTCCGCTCCTCCGTCTTCTCCCAGTCTTCCCTCGTCTCCCCCTTGCCTTGTCGCT[G>C]CGGGTCTCTTTGTCTCCCCTGTCGTCTTTTTCTTCTCCTCCGTTTTCTTCTTCTTCTTCT-3'
Protein context (NP_001077072.1, residues 53-73): EKDDRGDKET[Arg63=]SDKGKATGRK